The following is an entry in ClinVar:

NM_001256789.3(CACNA1F):c.3340G>T (p.Ala1114Ser)

Gene: CACNA1F (calcium voltage-gated channel subunit alpha1 F; minus strand). Cytogenetic location: Xp11.23.
Variant type: single nucleotide variant.
Coding change: c.3340G>T on transcript NM_001256789.3 (MANE Select); coding-DNA position 3340, G replaced by T.
Protein change: p.Ala1114Ser; replaces alanine 1114 with serine.
Molecular consequence: missense variant.
Genome position (GRCh38, 1-based): chrX:49,215,440, C>A on the plus strand (G>T on the coding strand, the complement: CACNA1F is on the minus strand). VCF-style: chrX-49215440-C-A. GRCh37 (hg19) VCF-style: chrX-49071900-C-A.
Other names: c.3178G>T, p.Ala1060Ser (NM_001256790.3); c.3373G>T, p.Ala1125Ser (NM_005183.4); short protein forms A1114S, A1125S, A1060S.
Identifiers: ClinVar variation 1370610 (VCV001370610.6), dbSNP rs2147902968, ClinGen allele CA412963605.
Genomic context (GRCh38, chrX:49,215,440, plus strand): 5'-CGCCCTGGGCACGGAAAGTGATGATGACGAAGCCCACGAAGATGTTCATCATGAAGAACG[C>A]AATGATGATGATGTAGACAATGAAGAACACTGAGATCTCCACACGGTAATTATAGATGGG-3'
Protein context (NP_001243718.1, residues 1104-1124): VFFIVYIIII[Ala1114Ser]FFMMNIFVGF

ClinVar aggregate classification (germline): Uncertain significance (1 of 4 stars; one submission).

gnomAD v4.1: 3 of 1,203,064 alleles (0.00025%); highest among the groups gnomAD compares: Non-Finnish European, 0.00034%; no homozygotes.

Submission:

Labcorp Genetics (formerly Invitae), Labcorp
Classification: Uncertain significance. Last evaluated: 2022-08-10. Review status: criteria provided, single submitter. Criteria: Invitae Variant Classification Sherloc (09022015). Collection method: clinical testing. Allele origin: germline.
Comment: This variant has not been reported in the literature in individuals affected with CACNA1F-related conditions. In summary, the available evidence is currently insufficient to determine the role of this variant in disease. Therefore, it has been classified as a Variant of Uncertain Significance. Algorithms developed to predict the effect of missense changes on protein structure and function are either unavailable or do not agree on the potential impact of this missense change (SIFT: "Tolerated"; PolyPhen-2: "Possibly Damaging"; Align-GVGD: "Class C0"). ClinVar contains an entry for this variant (Variation ID: 1370610). This variant is not present in population databases (gnomAD no frequency). This sequence change replaces alanine, which is neutral and non-polar, with serine, which is neutral and polar, at codon 1125 of the CACNA1F protein (p.Ala1125Ser).